The following is an entry in ClinVar:

ClinVar aggregate classification (germline): Conflicting classifications of pathogenicity. Review status: criteria provided, conflicting classifications (1 of 4 stars). 7 submissions from 7 submitters: Uncertain significance (3); Likely benign (2). 2 of the submissions do not count toward it. Last evaluated 2026-02-12.

Conditions:
Joubert syndrome 17 (JBTS17). Identifiers: Orphanet 475, MedGen C3553264, MONDO:0013824, OMIM 614615.
CPLANE1-related disorder. Also called: CPLANE1-related condition.
Orofaciodigital syndrome type 6 (OFD6). Also called: OROFACIODIGITAL SYNDROME VI; OFDS VI; POLYDACTYLY, CLEFT LIP/PALATE OR LINGUAL LUMP, AND PSYCHOMOTOR RETARDATION; VARADI SYNDROME; VARADI-PAPP SYNDROME; Oral-facial-digital syndrome type 6. Identifiers: Orphanet 2754, MedGen C2745997, MONDO:0010176, OMIM 277170.

Allele frequency attached by ClinVar (database versions not stated): TOPMed 0.00010; gnomAD 0.00014 and 0.00023; ExAC 0.00032; 1000 Genomes Project 0.00100.

Submissions (7):

GeneDx
Classification: Uncertain significance. Last evaluated: 2026-02-12. Review status: criteria provided, single submitter. Criteria: GeneDx Variant Classification Process June 2021. Collection method: clinical testing. Allele origin: germline. Affected: yes.
Comment: In silico analysis supports that this missense variant has a deleterious effect on protein structure/function; Has not been previously published as pathogenic or benign to our knowledge

Blueprint Genetics
Classification: Likely benign. Last evaluated: 2024-10-28. Review status: criteria provided, single submitter. Criteria: ACMG Guidelines, 2015. Collection method: clinical testing. Allele origin: germline.

CeGaT Center for Human Genetics Tuebingen
Classification: Likely benign. Last evaluated: 2024-07-01. Review status: criteria provided, single submitter. Criteria: CeGaT Center For Human Genetics Tuebingen Variant Classification Criteria Version 2. Collection method: clinical testing. Allele origin: germline. Affected: yes. Observed: 3 variant alleles.
Comment: CPLANE1: BP4

Labcorp Genetics (formerly Invitae), Labcorp
Classification: Uncertain significance. Last evaluated: 2022-11-01. Review status: criteria provided, single submitter. Criteria: Invitae Variant Classification Sherloc (09022015). Collection method: clinical testing. Allele origin: germline.
Comment: This sequence change replaces threonine, which is neutral and polar, with methionine, which is neutral and non-polar, at codon 552 of the CPLANE1 protein (p.Thr552Met). This variant is present in population databases (rs77739540, gnomAD 0.2%). This variant has not been reported in the literature in individuals affected with CPLANE1-related conditions. ClinVar contains an entry for this variant (Variation ID: 452314). Advanced modeling of protein sequence and biophysical properties (such as structural, functional, and spatial information, amino acid conservation, physicochemical variation, residue mobility, and thermodynamic stability) has been performed at Invitae for this missense variant, however the output from this modeling did not meet the statistical confidence thresholds required to predict the impact of this variant on CPLANE1 protein function. In summary, the available evidence is currently insufficient to determine the role of this variant in disease. Therefore, it has been classified as a Variant of Uncertain Significance.

Fulgent Genetics
Classification: Uncertain significance for Orofaciodigital syndrome type 6; Joubert syndrome 17. Last evaluated: 2022-04-27. Review status: criteria provided, single submitter. Criteria: ACMG Guidelines, 2015. Collection method: clinical testing. Allele origin: unknown.

PreventionGenetics, part of Exact Sciences
Classification: Likely benign for CPLANE1-related condition. Last evaluated: 2023-02-22. Review status: no assertion criteria provided. Collection method: clinical testing. Allele origin: germline. Not counted in ClinVar's aggregate classification.
Comment: This variant is classified as likely benign based on ACMG/AMP sequence variant interpretation guidelines (Richards et al. 2015 PMID: 25741868, with internal and published modifications).

Developmental and Behavioral Pediatrics, First Affiliated Hospital of Jilin University
Classification: Uncertain significance for Joubert syndrome 17. Review status: no assertion criteria provided. Collection method: clinical testing. Allele origin: maternal. Not counted in ClinVar's aggregate classification.

NM_001384732.1(CPLANE1):c.1655C>T (p.Thr552Met)

Gene: CPLANE1 (ciliogenesis and planar polarity effector complex subunit 1; minus strand). Cytogenetic location: 5p13.2.
Variant type: single nucleotide variant.
Coding change: c.1655C>T on transcript NM_001384732.1 (MANE Select); coding-DNA position 1655, C replaced by T.
Protein change: p.Thr552Met; replaces threonine 552 with methionine.
Molecular consequence: missense variant.
Genome position (GRCh38, 1-based): chr5:37,226,940, G>A on the plus strand (C>T on the coding strand, the complement: CPLANE1 is on the minus strand). VCF-style: chr5-37226940-G-A. GRCh37 (hg19) VCF-style: chr5-37227042-G-A.
Other names: c.1655C>T, p.Thr552Met (NM_023073.4); short protein forms T552M.
Identifiers: ClinVar variation 452314 (VCV000452314.59), dbSNP rs77739540, ClinGen allele CA3239081.